The following is an entry in ClinVar:

ClinVar aggregate classification (germline): Uncertain significance (1 of 4 stars; one submission).

Submission:

Labcorp Genetics (formerly Invitae), Labcorp
Classification: Uncertain significance. Last evaluated: 2023-10-04. Review status: criteria provided, single submitter. Criteria: Invitae Variant Classification Sherloc (09022015). Collection method: clinical testing. Allele origin: germline.
Comment: This sequence change replaces valine, which is neutral and non-polar, with alanine, which is neutral and non-polar, at codon 338 of the CNOT1 protein (p.Val338Ala). This variant is not present in population databases (gnomAD no frequency). This variant has not been reported in the literature in individuals affected with CNOT1-related conditions. An algorithm developed to predict the effect of missense changes on protein structure and function (PolyPhen-2) suggests that this variant is likely to be disruptive. In summary, the available evidence is currently insufficient to determine the role of this variant in disease. Therefore, it has been classified as a Variant of Uncertain Significance.

NM_016284.5(CNOT1):c.1013T>C (p.Val338Ala)

Gene: CNOT1 (CCR4-NOT transcription complex subunit 1; minus strand). Cytogenetic location: 16q21.
Variant type: single nucleotide variant.
Coding change: c.1013T>C on transcript NM_016284.5 (MANE Select); coding-DNA position 1013, T replaced by C.
Protein change: p.Val338Ala; replaces valine 338 with alanine.
Molecular consequence: missense variant. On other transcripts: non-coding transcript variant (1).
Genome position (GRCh38, 1-based): chr16:58,582,824, A>G on the plus strand (T>C on the coding strand, the complement: CNOT1 is on the minus strand). VCF-style: chr16-58582824-A-G. GRCh37 (hg19) VCF-style: chr16-58616728-A-G.
Other names: c.1013T>C, p.Val338Ala (NM_001265612.2, NM_206999.3); short protein forms V338A.
Identifiers: ClinVar variation 2801888 (VCV002801888.3), dbSNP rs2544084919, ClinGen allele CA396150271.